The following is an entry in ClinVar:

NM_000138.5(FBN1):c.1421G>T (p.Cys474Phe)

Gene: FBN1 (fibrillin 1; minus strand). Cytogenetic location: 15q21.1.
Variant type: single nucleotide variant.
Coding change: c.1421G>T on transcript NM_000138.5 (MANE Select); coding-DNA position 1421, G replaced by T.
Protein change: p.Cys474Phe; replaces cysteine 474 with phenylalanine.
Molecular consequence: missense variant.
Genome position (GRCh38, 1-based): chr15:48,515,434, C>A on the plus strand (G>T on the coding strand, the complement: FBN1 is on the minus strand). VCF-style: chr15-48515434-C-A. GRCh37 (hg19) VCF-style: chr15-48807631-C-A.
Other names: short protein forms C474F.
Identifiers: ClinVar variation 549015 (VCV000549015.13), dbSNP rs794728166, ClinGen allele CA392343760.

ClinVar aggregate classification (germline): Pathogenic/Likely pathogenic. Review status: criteria provided, multiple submitters, no conflicts (2 of 4 stars). 4 submissions from 4 submitters: Pathogenic (2); Likely pathogenic (1). 1 of the submissions does not count toward it. Last evaluated 2024-07-03.

Conditions:
Familial thoracic aortic aneurysm and aortic dissection (TAAD). Also called: Thoracic aortic aneurysms and dissections. Identifiers: Orphanet 91387, MedGen C4707243, MONDO:0019625.
Marfan syndrome (MFS). Also called: Marfan syndrome type 1; Marfan syndrome, classic; Marfan's syndrome; FBN1-Related Marfan Syndrome; MARFAN SYNDROME, TYPE I. Identifiers: Orphanet 284963, Orphanet 558, MedGen C0024796, MONDO:0007947, OMIM 154700.

Submissions (4):

GeneDx
Classification: Pathogenic. Last evaluated: 2024-07-03. Review status: criteria provided, single submitter. Criteria: GeneDx Variant Classification Process June 2021. Collection method: clinical testing. Allele origin: germline. Affected: yes.
Comment: Not observed at significant frequency in large population cohorts (gnomAD); In silico analysis supports that this missense variant has a deleterious effect on protein structure/function; Affects a cysteine residue within an EGF-like domain of the FBN1 gene, which may affect disulfide bonding and is predicted to alter the structure and function of the protein; cysteine substitutions in the EGF-like domains represent the majority of pathogenic missense changes associated with FBN1-related disorders (PMID: 12938084); This variant is associated with the following publications: (PMID: 10486319, 12938084, 10721679)

Labcorp Genetics (formerly Invitae), Labcorp
Classification: Pathogenic for Marfan syndrome; Familial thoracic aortic aneurysm and aortic dissection. Last evaluated: 2022-05-22. Review status: criteria provided, single submitter. Criteria: Invitae Variant Classification Sherloc (09022015). Collection method: clinical testing. Allele origin: germline.
Comment: This variant disrupts the p.Cys474 amino acid residue in FBN1. Other variant(s) that disrupt this residue have been observed in individuals with FBN1-related conditions (PMID: 11524736, 27906200), which suggests that this may be a clinically significant amino acid residue. This variant affects a cysteine residue in the EGF-like, TGFBP or hybrid motif domains of FBN1. Cysteine residues are believed to be involved in intramolecular disulfide bridges and have been shown to be important for FBN1 protein structure (PMID: 16905551, 19349279). In addition, missense substitutions affecting cysteine residues within these domains are significantly overrepresented among patients with Marfan syndrome (PMID: 16571647, 17701892). Advanced modeling of protein sequence and biophysical properties (such as structural, functional, and spatial information, amino acid conservation, physicochemical variation, residue mobility, and thermodynamic stability) performed at Invitae indicates that this missense variant is expected to disrupt FBN1 protein function. ClinVar contains an entry for this variant (Variation ID: 549015). This missense change has been observed in individuals with Marfan syndrome (PMID: 10721679; Invitae). This variant is not present in population databases (gnomAD no frequency). This sequence change replaces cysteine, which is neutral and slightly polar, with phenylalanine, which is neutral and non-polar, at codon 474 of the FBN1 protein (p.Cys474Phe). For these reasons, this variant has been classified as Pathogenic.

Ambry Genetics
Classification: Likely pathogenic for Familial thoracic aortic aneurysm and aortic dissection. Last evaluated: 2022-01-10. Review status: criteria provided, single submitter. Criteria: Ambry Variant Classification Scheme 2023. Collection method: clinical testing. Allele origin: germline.
Comment: The p.C474F variant (also known as c.1421G>T), located in coding exon 11 of the FBN1 gene, results from a G to T substitution at nucleotide position 1421. The cysteine at codon 474 is replaced by phenylalanine, an amino acid with highly dissimilar properties. This alteration has been reported in a subject with features of Marfan syndrome (Chikumi H et al. J Hum Genet, 2000;45:115-8). This variant is considered to be rare based on population cohorts in the Genome Aggregation Database (gnomAD). Another alteration affecting the same amino acid, p.C474Y (c.1421G>A), has also been reported in association with Marfan syndrome (Ogawa N et al. Am J Cardiol, 2011 Dec;108:1801-7). Based on internal structural assessment, this alteration eliminates a structurally critical disulfide bond in the structurally sensitive EGF/cbEGF-like domain #04. The majority of FBN1 mutations identified to date have involved the substitution or generation of cysteine residues within cbEGF domains (Vollbrandt T et al. J Biol Chem. 2004;279(31):32924-32931). This amino acid position is highly conserved in available vertebrate species. In addition, this alteration is predicted to be deleterious by in silico analysis. Based on the majority of available evidence to date, this variant is likely to be pathogenic.

Center for Medical Genetics Ghent, University of Ghent
Classification: Likely pathogenic for Marfan syndrome. Last evaluated: 2017-11-07. Review status: no assertion criteria provided. Collection method: clinical testing. Allele origin: de novo. Affected: yes. Not counted in ClinVar's aggregate classification.

Literature cited by the submitters: PubMed 11524736 (cited by Labcorp Genetics (formerly Invitae), Labcorp); PubMed 27906200 (cited by Labcorp Genetics (formerly Invitae), Labcorp); PubMed 16905551 (cited by Labcorp Genetics (formerly Invitae), Labcorp); PubMed 19349279 (cited by Labcorp Genetics (formerly Invitae), Labcorp); PubMed 16571647 (cited by Labcorp Genetics (formerly Invitae), Labcorp); PubMed 17701892 (cited by Labcorp Genetics (formerly Invitae), Labcorp); PubMed 10721679 (cited by Labcorp Genetics (formerly Invitae), Labcorp and Ambry Genetics).